The following is an entry in ClinVar:

NM_002691.4(POLD1):c.852C>T (p.Cys284=)

Gene: POLD1 (DNA polymerase delta 1, catalytic subunit; plus strand). Cytogenetic location: 19q13.33.
Variant type: single nucleotide variant.
Coding change: c.852C>T on transcript NM_002691.4 (MANE Select); coding-DNA position 852, C replaced by T.
Protein change: p.Cys284=; no amino-acid change (cysteine 284 retained).
Molecular consequence: synonymous variant. On other transcripts: non-coding transcript variant (1).
Genome position (GRCh38, 1-based): chr19:50,402,623, C>T. VCF-style: chr19-50402623-C-T. GRCh37 (hg19) VCF-style: chr19-50905880-C-T.
Other names: c.852C>T, p.Cys284= (NM_001256849.1, NM_001308632.1); c.852C>T (NM_002691.2).
Identifiers: ClinVar variation 755816 (VCV000755816.13), dbSNP rs1163046836, ClinGen allele CA508181798.

ClinVar aggregate classification (germline): Benign/Likely benign. Review status: criteria provided, multiple submitters, no conflicts (2 of 4 stars). 3 submissions from 3 submitters: Benign (1); Likely benign (2). Last evaluated 2025-02-04.

Conditions:
Hereditary cancer-predisposing syndrome. Also called: Hereditary Cancer Syndrome; Hereditary neoplastic syndrome; Neoplastic Syndromes, Hereditary; Tumor predisposition. Identifiers: Orphanet 140162, MedGen C0027672, MeSH D009386, MONDO:0015356.
POLD1-related polyposis and colorectal cancer syndrome (CRCS10). Also called: Colorectal cancer, susceptibility to, 10; Colorectal cancer 10; COLORECTAL CANCER, SUSCEPTIBILITY TO, ON CHROMOSOME 19q. Identifiers: Orphanet 220460, MedGen C2675481, MONDO:0012953, OMIM 612591.

Submissions (3):

Myriad Genetics, Inc.
Classification: Benign for POLD1-related polyposis and colorectal cancer syndrome. Last evaluated: 2025-02-04. Review status: criteria provided, single submitter. Criteria: Myriad Autosomal Dominant, Autosomal Recessive and X-Linked Classification Criteria (2023). Collection method: clinical testing. Allele origin: unknown.
Comment: This variant is considered benign. This variant is a silent/synonymous amino acid change and it is not expected to impact splicing.

Ambry Genetics
Classification: Likely benign for Hereditary cancer-predisposing syndrome. Last evaluated: 2023-06-07. Review status: criteria provided, single submitter. Criteria: Ambry Variant Classification Scheme 2023. Collection method: clinical testing. Allele origin: germline.

Labcorp Genetics (formerly Invitae), Labcorp
Classification: Likely benign for POLD1-related polyposis and colorectal cancer syndrome. Last evaluated: 2019-12-09. Review status: criteria provided, single submitter. Criteria: Invitae Variant Classification Sherloc (09022015). Collection method: clinical testing. Allele origin: germline.